The following is an entry in ClinVar:

NM_020207.7(ERCC6L2):c.1420C>T (p.Leu474Phe)

Gene: ERCC6L2 (ERCC excision repair 6 like 2; plus strand). Cytogenetic location: 9q22.32.
Variant type: single nucleotide variant.
Coding change: c.1420C>T on transcript NM_020207.7 (MANE Select); coding-DNA position 1420, C replaced by T.
Protein change: p.Leu474Phe; replaces leucine 474 with phenylalanine.
Molecular consequence: missense variant. On other transcripts: non-coding transcript variant (1).
Genome position (GRCh38, 1-based): chr9:95,923,266, C>T. VCF-style: chr9-95923266-C-T. GRCh37 (hg19) VCF-style: chr9-98685548-C-T.
Other names: c.1420C>T, p.Leu474Phe (NM_001010895.4, NM_001375291.1, NM_001375292.1 and 2 more transcripts); short protein forms L474F.
Identifiers: ClinVar variation 2013545 (VCV002013545.5), dbSNP rs759793183, ClinGen allele CA5139566.

ClinVar aggregate classification (germline): Uncertain significance. Review status: criteria provided, multiple submitters, no conflicts (2 of 4 stars). 2 submissions from 2 submitters: Uncertain significance (2). Last evaluated 2025-12-05.

Conditions:
Inborn genetic diseases. Identifiers: MedGen C0950123, MeSH D030342.

Allele frequency attached by ClinVar (database versions not stated): ExAC 0.00001; gnomAD exomes 0.00001.
gnomAD v4.1: 3 of 1,613,118 alleles (0.00019%); highest among the groups gnomAD compares: East Asian, 0.0022%; no homozygotes.

Submissions (2):

Ambry Genetics
Classification: Uncertain significance for Inborn genetic diseases. Last evaluated: 2025-12-05. Review status: criteria provided, single submitter. Criteria: Ambry Variant Classification Scheme 2023. Collection method: clinical testing. Allele origin: germline.
Comment: The p.L474F variant (also known as c.1420C>T), located in coding exon 9 of the ERCC6L2 gene, results from a C to T substitution at nucleotide position 1420. The leucine at codon 474 is replaced by phenylalanine, an amino acid with highly similar properties. This amino acid position is conserved. In addition, this alteration is predicted to be tolerated by in silico analysis. Based on the available evidence, the clinical significance of this variant remains unclear.

Labcorp Genetics (formerly Invitae), Labcorp
Classification: Uncertain significance. Last evaluated: 2022-07-03. Review status: criteria provided, single submitter. Criteria: Invitae Variant Classification Sherloc (09022015). Collection method: clinical testing. Allele origin: germline.
Comment: In summary, the available evidence is currently insufficient to determine the role of this variant in disease. Therefore, it has been classified as a Variant of Uncertain Significance. Algorithms developed to predict the effect of missense changes on protein structure and function are either unavailable or do not agree on the potential impact of this missense change (SIFT: "Tolerated"; PolyPhen-2: "Not Available"; Align-GVGD: "Class C0"). This variant has not been reported in the literature in individuals affected with ERCC6L2-related conditions. This variant is present in population databases (rs759793183, gnomAD 0.007%). This sequence change replaces leucine, which is neutral and non-polar, with phenylalanine, which is neutral and non-polar, at codon 485 of the ERCC6L2 protein (p.Leu485Phe).